The following is an entry in ClinVar:

NM_014915.3(ANKRD26):c.1830G>T (p.Leu610Phe)

Gene: ANKRD26 (ankyrin repeat domain 26; minus strand). Cytogenetic location: 10p12.1.
Variant type: single nucleotide variant.
Coding change: c.1830G>T on transcript NM_014915.3 (MANE Select); coding-DNA position 1830, G replaced by T.
Protein change: p.Leu610Phe; replaces leucine 610 with phenylalanine.
Molecular consequence: missense variant.
Genome position (GRCh38, 1-based): chr10:27,046,508, C>A on the plus strand (G>T on the coding strand, the complement: ANKRD26 is on the minus strand). VCF-style: chr10-27046508-C-A. GRCh37 (hg19) VCF-style: chr10-27335437-C-A.
Other names: c.1827G>T, p.Leu609Phe (NM_001256053.2); short protein forms L609F, L610F.
Identifiers: ClinVar variation 5023278 (VCV005023278.1).

ClinVar aggregate classification (germline): Uncertain significance (1 of 4 stars; one submission).

Conditions:
Inborn genetic diseases. Identifiers: MedGen C0950123, MeSH D030342.

Submission:

Ambry Genetics
Classification: Uncertain significance for Inborn genetic diseases. Last evaluated: 2026-07-23. Review status: criteria provided, single submitter. Criteria: Ambry Variant Classification Scheme 2023. Collection method: clinical testing. Allele origin: germline.
Comment: The p.L610F variant (also known as c.1830G>T), located in coding exon 18 of the ANKRD26 gene, results from a G to T substitution at nucleotide position 1830. The leucine at codon 610 is replaced by phenylalanine, an amino acid with highly similar properties. This amino acid position is conserved. In addition, this alteration is predicted to be tolerated by in silico analysis. Based on the available evidence, the clinical significance of this variant remains unclear.